The following is an entry in ClinVar:

NM_001303052.2(MYT1L):c.2712-8489G>A

Gene: MYT1L (myelin transcription factor 1 like; minus strand). Cytogenetic location: 2p25.3.
Variant type: single nucleotide variant.
Coding change: c.2712-8489G>A on transcript NM_001303052.2 (MANE Select); 8489 bases into the intron before coding-DNA position 2712, G replaced by A.
Molecular consequence: intron variant.
Genome position (GRCh38, 1-based): chr2:1,860,192, C>T on the plus strand (G>A on the coding strand, the complement: MYT1L is on the minus strand). VCF-style: chr2-1860192-C-T. GRCh37 (hg19) VCF-style: chr2-1863964-C-T.
Other names: c.2706-8489G>A (NM_015025.4, NM_001329847.2, NM_001329848.1 and 3 more transcripts); c.2712-8489G>A (NM_001329844.2, NM_001329845.1, NM_001329851.3).
Identifiers: ClinVar variation 2650624 (VCV002650624.24), dbSNP rs77312930, ClinGen allele CA41420857.
Genomic context (GRCh38, chr2:1,860,192, plus strand): 5'-TAGGCTCCTGTCCAGTGCGGCAGAACGTACCTAGCACATCCTGACGTCCCATTCACTTAA[C>T]GGGATGTGTCCATGGGAACTGCTGCCAGAGCACATGCACGTCCAGCAGCAGTGGAGCGGC-3'

ClinVar aggregate classification (germline): Benign (1 of 4 stars; one submission).

Allele frequency attached by ClinVar (database versions not stated): 1000 Genomes Project 0.00519; 1000 Genomes Project 30x 0.00578; TOPMed 0.00727; gnomAD 0.00819.
gnomAD v4.1: 1,264 of 152,344 alleles (0.83%); highest among the groups gnomAD compares: Middle Eastern, 1.7%; 16 homozygotes.

Submission:

CeGaT Center for Human Genetics Tuebingen
Classification: Benign. Last evaluated: 2023-05-01. Review status: criteria provided, single submitter. Criteria: CeGaT Center For Human Genetics Tuebingen Variant Classification Criteria Version 2. Collection method: clinical testing. Allele origin: germline. Affected: yes. Observed: 7 variant alleles.
Comment: MYT1L: BS1, BS2